The following is an entry in ClinVar:

NM_170707.4(LMNA):c.40del (p.Ala14fs)

Genes: LMNA (lamin A/C; plus strand), LOC129931597 (ATAC-STARR-seq lymphoblastoid silent region 1421; plus strand). Cytogenetic location: 1q22.
Variant type: Deletion.
Coding change: c.40del on transcript NM_170707.4 (MANE Select); coding-DNA position 40, one base deleted (G; older notation c.40delG).
Protein change: p.Ala14fs; shifts the reading frame from alanine 14.
Molecular consequence: frameshift variant. On other transcripts: 5 prime UTR variant (8), intron variant (2).
Genome position (GRCh38, 1-based): chr1:156,114,958, G deleted; the last of 4 consecutive G bases (chr1:156,114,955-156,114,958); deleting any one gives the same sequence. VCF-style (leftmost placement, unchanged base first): chr1-156114954-CG-C. GRCh37 (hg19) VCF-style: chr1-156084745-CG-C.
Other names: c.40del, p.Ala14fs (NM_001282625.2, NM_001282626.2, NM_001406983.1 and 6 more transcripts); c.-384del (NM_001406986.1); c.-362del (NM_001406990.1, NM_001406995.1, NM_001407002.1); c.-625del (NM_001406994.1, NM_001407000.1); c.-805del (NM_001406999.1); c.-468del (NM_001407001.1); c.-203+8135del (NM_001406993.1, NM_001407003.1); short protein forms A14fs.
Identifiers: ClinVar variation 2848761 (VCV002848761.3), dbSNP rs2527829451, ClinGen allele CA2648345519.

ClinVar aggregate classification (germline): Pathogenic (1 of 4 stars; one submission).

Conditions:
Charcot-Marie-Tooth disease type 2. Also called: Charcot-Marie-Tooth type 2. Identifiers: Orphanet 64746, MedGen C0270914, MONDO:0018993.

Submission:

Labcorp Genetics (formerly Invitae), Labcorp
Classification: Pathogenic for Charcot-Marie-Tooth disease type 2. Last evaluated: 2023-03-23. Review status: criteria provided, single submitter. Criteria: Invitae Variant Classification Sherloc (09022015). Collection method: clinical testing. Allele origin: germline.
Comment: This sequence change creates a premature translational stop signal (p.Ala14Argfs*82) in the LMNA gene. It is expected to result in an absent or disrupted protein product. Loss-of-function variants in LMNA are known to be pathogenic (PMID: 18585512, 18926329). This variant is not present in population databases (gnomAD no frequency). This variant has not been reported in the literature in individuals affected with LMNA-related conditions. For these reasons, this variant has been classified as Pathogenic.

Literature cited by the submitters: PubMed 18585512; PubMed 18926329.